The following is an entry in ClinVar:

NM_004963.4(GUCY2C):c.2861A>G (p.Glu954Gly)

Genes: GUCY2C (guanylate cyclase 2C; minus strand), PLBD1-AS1 (PLBD1 antisense RNA 1; plus strand). Cytogenetic location: 12p12.3.
Variant type: single nucleotide variant.
Coding change: c.2861A>G on transcript NM_004963.4 (MANE Select); coding-DNA position 2861, A replaced by G.
Protein change: p.Glu954Gly; replaces glutamic acid 954 with glycine.
Molecular consequence: missense variant. On other transcripts: non-coding transcript variant (1).
Genome position (GRCh38, 1-based): chr12:14,619,225, T>C on the plus strand (A>G on the coding strand, the complement: GUCY2C is on the minus strand). VCF-style: chr12-14619225-T-C. GRCh37 (hg19) VCF-style: chr12-14772159-T-C.
Other names: short protein forms E954G.
Identifiers: ClinVar variation 5000109 (VCV005000109.1).

ClinVar aggregate classification (germline): Uncertain significance (1 of 4 stars; one submission).

Conditions:
GUCY2C-related disorder. Also called: GUCY2C-related condition.

Submission:

PreventionGenetics, part of Exact Sciences
Classification: Uncertain significance for GUCY2C-related condition. Last evaluated: 2025-06-18. Review status: criteria provided, single submitter. Criteria: ACMG Guidelines, 2015. Collection method: clinical testing. Allele origin: germline.
Comment: The GUCY2C c.2861A>G variant is predicted to result in the amino acid substitution p.Glu954Gly. To our knowledge, this variant has not been reported in the literature or in a large population database (gnomAD), indicating this variant is rare. At this time, the clinical significance of this variant is uncertain due to the absence of conclusive functional and genetic evidence.